The following is an entry in ClinVar:

NM_001399.5(EDA):c.216_220del (p.Gly73fs)

Gene: EDA (ectodysplasin A; plus strand). Cytogenetic location: Xq13.1.
Variant type: Deletion.
Coding change: c.216_220del on transcript NM_001399.5 (MANE Select); coding-DNA positions 216 to 220, 5 bases deleted (TGGAG; older notation c.216_220delTGGAG).
Protein change: p.Gly73fs; shifts the reading frame from glycine 73.
Molecular consequence: frameshift variant.
Genome position (GRCh38, 1-based): chrX:69,616,524-69,616,528, TGGAG deleted; deleting any 5 consecutive bases within chrX:69,616,523-69,616,528 gives the same sequence; the c. name uses the placement nearest the transcript's 3' end. VCF-style (leftmost placement, unchanged base first): chrX-69616522-CGTGGA-C. GRCh37 (hg19) VCF-style: chrX-68836366-CGTGGA-C.
Other names: c.216_220del, p.Gly73fs (NM_001005609.2, NM_001005610.4, NM_001005612.3 and 1 more transcripts); short protein forms G73fs.
Identifiers: ClinVar variation 1076565 (VCV001076565.7), dbSNP rs2147197831, ClinGen allele CA2499226808.
Genomic context (GRCh38, chrX:69,616,522, plus strand): 5'-GCCCTCCACCTGCTGACGTTGTGCTGCTACCTAGAGTTGCGCTCGGAGTTGCGGCGGGAA[CGTGGA>C]GCCGAGTCCCGCCTTGGCGGCTCGGGCACCCCTGGCACCTCTGGCACCCTAAGCAGCCTC-3'

ClinVar aggregate classification (germline): Pathogenic (1 of 4 stars; one submission).

Conditions:
Hypohidrotic X-linked ectodermal dysplasia (XHED). Also called: ECTODERMAL DYSPLASIA, HYPOHIDROTIC, 1; CST SYNDROME; Christ-Siemans-Touraine syndrome; ECTODERMAL DYSPLASIA 1; Ectodermal Dysplasia 1, Anhidrotic; Anhidrotic ectodermal dysplasia X-linked. Identifiers: Orphanet 181, Orphanet 238468, MedGen C0162359, MONDO:0010585, OMIM 305100.

Submission:

Labcorp Genetics (formerly Invitae), Labcorp
Classification: Pathogenic for Hypohidrotic X-linked ectodermal dysplasia. Last evaluated: 2020-06-02. Review status: criteria provided, single submitter. Criteria: Invitae Variant Classification Sherloc (09022015). Collection method: clinical testing. Allele origin: germline.
Comment: For these reasons, this variant has been classified as Pathogenic. Loss-of-function variants in EDA are known to be pathogenic (PMID: 9683615). This variant has not been reported in the literature in individuals with EDA-related conditions. This variant is not present in population databases (ExAC no frequency). This sequence change creates a premature translational stop signal (p.Gly73Argfs*25) in the EDA gene. It is expected to result in an absent or disrupted protein product.

Literature cited by the submitters: PubMed 9683615.